The following is an entry in ClinVar:

ClinVar aggregate classification (germline): Benign. Review status: criteria provided, multiple submitters, no conflicts (2 of 4 stars). 2 submissions from 2 submitters: Benign (2). Last evaluated 2018-06-14.

Allele frequency attached by ClinVar (database versions not stated): 1000 Genomes Project 30x 0.97611; 1000 Genomes Project 0.97704; TOPMed 0.98198.
gnomAD v4.1: 149,726 of 152,320 alleles (98%); highest among the groups gnomAD compares: East Asian, 100%; 73,631 homozygotes.

Submissions (2):

GeneDx
Classification: Benign. Last evaluated: 2018-06-14. Review status: criteria provided, single submitter. Criteria: GeneDx Variant Classification (06012015). Collection method: clinical testing. Allele origin: germline. Affected: yes.
Comment: This variant is considered likely benign or benign based on one or more of the following criteria: it is a conservative change, it occurs at a poorly conserved position in the protein, it is predicted to be benign by multiple in silico algorithms, and/or has population frequency not consistent with disease.

Breakthrough Genomics
Classification: Benign. Review status: criteria provided, single submitter. Criteria: ACMG Guidelines, 2015. Collection method: not provided. Allele origin: germline. Inheritance: Autosomal recessive inheritance. Affected: yes.

NM_000702.4(ATP1A2):c.630+238A>G

Genes: ATP1A2 (ATPase Na+/K+ transporting subunit alpha 2; plus strand), LOC126805890 (CDK7 strongly-dependent group 2 enhancer GRCh37_chr1:160093987-160095186; plus strand). Cytogenetic location: 1q23.2.
Variant type: single nucleotide variant.
Coding change: c.630+238A>G on transcript NM_000702.4 (MANE Select); 238 bases into the intron after coding-DNA position 630, A replaced by G.
Molecular consequence: intron variant.
Genome position (GRCh38, 1-based): chr1:160,124,668, A>G. VCF-style: chr1-160124668-A-G. GRCh37 (hg19) VCF-style: chr1-160094458-A-G.
Identifiers: ClinVar variation 678076 (VCV000678076.2), dbSNP rs1321655, ClinGen allele CA31490455.